The following is an entry in ClinVar:

ClinVar aggregate classification (germline): Uncertain significance. Review status: criteria provided, multiple submitters, no conflicts (2 of 4 stars). 3 submissions from 3 submitters: Uncertain significance (2). 1 of the submissions does not count toward it. Last evaluated 2025-03-07.

Conditions:
Retinal dystrophy. Also called: Inherited retinal dystrophy. Identifiers: Orphanet 71862, MedGen C0854723, MeSH D058499, MONDO:0019118, HP:0000556.

Allele frequency attached by ClinVar (database versions not stated): gnomAD exomes 0.00006 and 0.00007; ExAC 0.00008; ESP Exome Variant Server 0.00008; TOPMed 0.00008; gnomAD 0.00011 and 0.00012.
gnomAD v4.1: 124 of 1,612,666 alleles (0.0077%); highest among the groups gnomAD compares: East Asian, 0.011%; no homozygotes.

Submissions (3):

Labcorp Genetics (formerly Invitae), Labcorp
Classification: Uncertain significance. Last evaluated: 2025-03-07. Review status: criteria provided, single submitter. Criteria: Invitae Variant Classification Sherloc (09022015). Collection method: clinical testing. Allele origin: germline.
Comment: This sequence change replaces arginine, which is basic and polar, with histidine, which is basic and polar, at codon 674 of the RBP3 protein (p.Arg674His). This variant is present in population databases (rs373691531, gnomAD 0.03%). This variant has not been reported in the literature in individuals affected with RBP3-related conditions. ClinVar contains an entry for this variant (Variation ID: 1006911). Invitae Evidence Modeling of protein sequence and biophysical properties (such as structural, functional, and spatial information, amino acid conservation, physicochemical variation, residue mobility, and thermodynamic stability) has been performed for this missense variant. However, the output from this modeling did not meet the statistical confidence thresholds required to predict the impact of this variant on RBP3 protein function. In summary, the available evidence is currently insufficient to determine the role of this variant in disease. Therefore, it has been classified as a Variant of Uncertain Significance.

Blueprint Genetics
Classification: Uncertain significance. Last evaluated: 2024-07-08. Review status: criteria provided, single submitter. Criteria: ACMG Guidelines, 2015. Collection method: clinical testing. Allele origin: germline.

Institute of Human Genetics, Univ. Regensburg, Univ. Regensburg
Classification: Uncertain significance for Retinal dystrophy. Last evaluated: 2023-01-01. Review status: no assertion criteria provided. Criteria: ACMG Guidelines, 2015. Collection method: clinical testing. Allele origin: germline. Affected: yes. Not counted in ClinVar's aggregate classification.

NM_002900.3(RBP3):c.2021G>A (p.Arg674His)

Gene: RBP3 (retinol binding protein 3; plus strand). Cytogenetic location: 10q11.22.
Variant type: single nucleotide variant.
Coding change: c.2021G>A on transcript NM_002900.3 (MANE Select); coding-DNA position 2021, G replaced by A.
Protein change: p.Arg674His; replaces arginine 674 with histidine.
Molecular consequence: missense variant.
Genome position (GRCh38, 1-based): chr10:47,350,505, G>A. VCF-style: chr10-47350505-G-A. GRCh37 (hg19) VCF-style: chr10-48388857-C-T.
Other names: short protein forms R674H.
Identifiers: ClinVar variation 1006911 (VCV001006911.8), dbSNP rs373691531, ClinGen allele CA5487374.